The following is an entry in ClinVar:

NM_003036.4(SKI):c.598A>C (p.Lys200Gln)

Gene: SKI (SKI proto-oncogene; plus strand). Cytogenetic location: 1p36.33.
Variant type: single nucleotide variant.
Coding change: c.598A>C on transcript NM_003036.4 (MANE Select); coding-DNA position 598, A replaced by C.
Protein change: p.Lys200Gln; replaces lysine 200 with glutamine.
Molecular consequence: missense variant.
Genome position (GRCh38, 1-based): chr1:2,229,364, A>C. VCF-style: chr1-2229364-A-C. GRCh37 (hg19) VCF-style: chr1-2160803-A-C.
Other names: c.598A>C (NM_003036.3); short protein forms K200Q.
Identifiers: ClinVar variation 4709038 (VCV004709038.2).
Genomic context (GRCh38, chr1:2,229,364, plus strand): 5'-ACGGACGCCGAGCGCCTGTGCAACGCGCTGCTCTACGGCGGCGCCTACCCGCCGCCCTGC[A>C]AGAAGGAGCTGGCCGCCAGCCTGGCGCTGGGCCTGGAGCTCAGCGAGCGCAGCGTCCGCG-3'
Protein context (NP_003027.1, residues 190-210): LYGGAYPPPC[Lys200Gln]KELAASLALG

ClinVar aggregate classification (germline): Uncertain significance. Review status: criteria provided, multiple submitters, no conflicts (2 of 4 stars). 2 submissions from 2 submitters: Uncertain significance (2). Last evaluated 2025-04-13.

Conditions:
SKI-related disorder. Also called: SKI-related condition.
Shprintzen-Goldberg syndrome (SGS). Also called: SHPRINTZEN-GOLDBERG CRANIOSYNOSTOSIS SYNDROME; CRANIOSYNOSTOSIS WITH ARACHNODACTYLY AND ABDOMINAL HERNIAS; Marfanoid disorder with craniosynostosis type 1; Marfanoid craniosynostosis syndrome; Shprintzen-Goldberg marfanoid syndrome. Identifiers: Orphanet 2462, MedGen C1321551, MONDO:0008426, OMIM 182212.

gnomAD v4.1: 1 of 1,599,690 alleles (0.000063%); highest among the groups gnomAD compares: South Asian, 0.0011%; no homozygotes.

Submissions (2):

Labcorp Genetics (formerly Invitae), Labcorp
Classification: Uncertain significance for Shprintzen-Goldberg syndrome. Last evaluated: 2025-04-13. Review status: criteria provided, single submitter. Criteria: Invitae Variant Classification Sherloc (09022015). Collection method: clinical testing. Allele origin: germline.
Comment: This sequence change replaces lysine, which is basic and polar, with glutamine, which is neutral and polar, at codon 200 of the SKI protein (p.Lys200Gln). This variant is not present in population databases (gnomAD no frequency). This variant has not been reported in the literature in individuals affected with SKI-related conditions. Invitae Evidence Modeling of protein sequence and biophysical properties (such as structural, functional, and spatial information, amino acid conservation, physicochemical variation, residue mobility, and thermodynamic stability) indicates that this missense variant is not expected to disrupt SKI protein function with a negative predictive value of 95%. In summary, the available evidence is currently insufficient to determine the role of this variant in disease. Therefore, it has been classified as a Variant of Uncertain Significance.

PreventionGenetics, part of Exact Sciences
Classification: Uncertain significance for SKI-related condition. Last evaluated: 2025-03-27. Review status: criteria provided, single submitter. Criteria: ACMG Guidelines, 2015. Collection method: clinical testing. Allele origin: germline.
Comment: The SKI c.598A>C variant is predicted to result in the amino acid substitution p.Lys200Gln. To our knowledge, this variant has not been reported in the literature or in a large population database (gnomAD), indicating this variant is rare. At this time, the clinical significance of this variant is uncertain due to the absence of conclusive functional and genetic evidence.